The following is an entry in ClinVar:

NM_006517.5(SLC16A2):c.193C>G (p.Pro65Ala)

Gene: SLC16A2 (solute carrier family 16 member 2; plus strand). Cytogenetic location: Xq13.2.
Variant type: single nucleotide variant.
Coding change: c.193C>G on transcript NM_006517.5 (MANE Select); coding-DNA position 193, C replaced by G.
Protein change: p.Pro65Ala; replaces proline 65 with alanine.
Molecular consequence: missense variant.
Genome position (GRCh38, 1-based): chrX:74,421,830, C>G. VCF-style: chrX-74421830-C-G. GRCh37 (hg19) VCF-style: chrX-73641665-C-G.
Other names: short protein forms P65A.
Identifiers: ClinVar variation 2501493 (VCV002501493.2), dbSNP rs2519759376, ClinGen allele CA413655969.
Genomic context (GRCh38, chrX:74,421,830, plus strand): 5'-CCAGTGCCCCCGCCCGAGCCCCAGCCGGAGCCCCAGCCCCTACCGGACCCCGCACCCCTG[C>G]CGGAGCTGGAGTTCGAGTCCGAGCGGGTGCACGAACCCGAGCCCACGCCTACGGTAGAGA-3'
Protein context (NP_006508.2, residues 55-75): PQPLPDPAPL[Pro65Ala]ELEFESERVH

ClinVar aggregate classification (germline): Uncertain significance (1 of 4 stars; one submission).

Submission:

GeneDx
Classification: Uncertain significance. Last evaluated: 2024-07-16. Review status: criteria provided, single submitter. Criteria: GeneDx Variant Classification Process June 2021. Collection method: clinical testing. Allele origin: germline. Affected: yes.
Comment: Not observed at significant frequency in large population cohorts (gnomAD); In silico analysis indicates that this missense variant does not alter protein structure/function; Has not been previously published as pathogenic or benign to our knowledge